The following is an entry in ClinVar:

NM_006329.4(FBLN5):c.1004C>T (p.Pro335Leu)

Gene: FBLN5 (fibulin 5; minus strand). Cytogenetic location: 14q32.12.
Variant type: single nucleotide variant.
Coding change: c.1004C>T on transcript NM_006329.4 (MANE Select); coding-DNA position 1004, C replaced by T.
Protein change: p.Pro335Leu; replaces proline 335 with leucine.
Molecular consequence: missense variant.
Genome position (GRCh38, 1-based): chr14:91,877,668, G>A on the plus strand (C>T on the coding strand, the complement: FBLN5 is on the minus strand). VCF-style: chr14-91877668-G-A. GRCh37 (hg19) VCF-style: chr14-92344012-G-A.
Other names: c.1055C>T, p.Pro352Leu (NM_001384159.1); c.1004C>T, p.Pro335Leu (NM_001384160.1); c.836C>T, p.Pro279Leu (NM_001384161.1, NM_001384162.1); c.1127C>T, p.Pro376Leu (NM_001384158.1); short protein forms P279L, P376L, P335L, P352L.
Identifiers: ClinVar variation 3012747 (VCV003012747.3), dbSNP rs2542752446, ClinGen allele CA390641108.

ClinVar aggregate classification (germline): Uncertain significance (1 of 4 stars; one submission).

Submission:

Labcorp Genetics (formerly Invitae), Labcorp
Classification: Uncertain significance. Last evaluated: 2024-02-23. Review status: criteria provided, single submitter. Criteria: Invitae Variant Classification Sherloc (09022015). Collection method: clinical testing. Allele origin: germline.
Comment: This sequence change replaces proline, which is neutral and non-polar, with leucine, which is neutral and non-polar, at codon 335 of the FBLN5 protein (p.Pro335Leu). This variant is not present in population databases (gnomAD no frequency). This variant has not been reported in the literature in individuals affected with FBLN5-related conditions. Advanced modeling of protein sequence and biophysical properties (such as structural, functional, and spatial information, amino acid conservation, physicochemical variation, residue mobility, and thermodynamic stability) performed at Invitae indicates that this missense variant is not expected to disrupt FBLN5 protein function with a negative predictive value of 80%. In summary, the available evidence is currently insufficient to determine the role of this variant in disease. Therefore, it has been classified as a Variant of Uncertain Significance.